The following is an entry in ClinVar:

ClinVar aggregate classification (germline): Uncertain significance (1 of 4 stars; one submission).

Conditions:
Nephrolithiasis/nephrocalcinosis. Identifiers: MedGen CN580796.

Submission:

Ambry Genetics
Classification: Uncertain significance for Nephrolithiasis/nephrocalcinosis. Last evaluated: 2021-07-08. Review status: criteria provided, single submitter. Criteria: Ambry Variant Classification Scheme 2023. Collection method: clinical testing. Allele origin: germline.
Comment: The p.K636N variant (also known as c.1908G>C), located in coding exon 6 of the CASR gene, results from a G to C substitution at nucleotide position 1908. The lysine at codon 636 is replaced by asparagine, an amino acid with similar properties. This amino acid position is conserved. In addition, the in silico prediction for this alteration is inconclusive. Since supporting evidence is limited at this time, the clinical significance of this alteration remains unclear.

NM_000388.4(CASR):c.1908G>C (p.Lys636Asn)

Gene: CASR (calcium sensing receptor; plus strand). Cytogenetic location: 3q21.1.
Variant type: single nucleotide variant.
Coding change: c.1908G>C on transcript NM_000388.4 (MANE Select); coding-DNA position 1908, G replaced by C.
Protein change: p.Lys636Asn; replaces lysine 636 with asparagine.
Molecular consequence: missense variant.
Genome position (GRCh38, 1-based): chr3:122,283,862, G>C. VCF-style: chr3-122283862-G-C. GRCh37 (hg19) VCF-style: chr3-122002709-G-C.
Other names: c.1938G>C, p.Lys646Asn (NM_001178065.2); short protein forms K646N, K636N.
Identifiers: ClinVar variation 1782442 (VCV001782442.2), dbSNP rs2473276845, ClinGen allele CA354157931.